The following is an entry in ClinVar:

ClinVar aggregate classification (germline): Uncertain significance (1 of 4 stars; one submission).

Conditions:
Bethlem myopathy 1A. Also called: MYOPATHY, BENIGN CONGENITAL, WITH CONTRACTURES; Bethlem myopathy 1; Bethlem Muscular Dystrophy. Identifiers: Orphanet 610, MedGen CN029274, MONDO:0024530, OMIM 158810.

gnomAD v4.1: 15 of 1,614,148 alleles (0.00093%); highest among the groups gnomAD compares: Non-Finnish European, 0.0012%; no homozygotes.

Submission:

Labcorp Genetics (formerly Invitae), Labcorp
Classification: Uncertain significance for Bethlem myopathy 1A. Last evaluated: 2025-03-05. Review status: criteria provided, single submitter. Criteria: Invitae Variant Classification Sherloc (09022015). Collection method: clinical testing. Allele origin: germline.
Comment: This sequence change replaces glycine, which is neutral and non-polar, with valine, which is neutral and non-polar, at codon 1981 of the COL6A3 protein (p.Gly1981Val). This variant is present in population databases (rs727502839, gnomAD 0.002%). This variant has not been reported in the literature in individuals affected with COL6A3-related conditions. Invitae Evidence Modeling of protein sequence and biophysical properties (such as structural, functional, and spatial information, amino acid conservation, physicochemical variation, residue mobility, and thermodynamic stability) has been performed for this missense variant. However, the output from this modeling did not meet the statistical confidence thresholds required to predict the impact of this variant on COL6A3 protein function. In summary, the available evidence is currently insufficient to determine the role of this variant in disease. Therefore, it has been classified as a Variant of Uncertain Significance.

NM_004369.4(COL6A3):c.5942G>T (p.Gly1981Val)

Gene: COL6A3 (collagen type VI alpha 3 chain; minus strand). Cytogenetic location: 2q37.3.
Variant type: single nucleotide variant.
Coding change: c.5942G>T on transcript NM_004369.4 (MANE Select); coding-DNA position 5942, G replaced by T.
Protein change: p.Gly1981Val; replaces glycine 1981 with valine.
Molecular consequence: missense variant.
Genome position (GRCh38, 1-based): chr2:237,363,374, C>A on the plus strand (G>T on the coding strand, the complement: COL6A3 is on the minus strand). VCF-style: chr2-237363374-C-A. GRCh37 (hg19) VCF-style: chr2-238272017-C-A.
Other names: c.4121G>T, p.Gly1374Val (NM_057166.5); c.5324G>T, p.Gly1775Val (NM_057167.4); short protein forms G1981V, G1374V, G1775V.
Identifiers: ClinVar variation 4807172 (VCV004807172.1), dbSNP rs727502839.
Genomic context (GRCh38, chr2:237,363,374, plus strand): 5'-ATAAACCCTCGCCCAAACTCCAGATGCATTAGCCGCTCCAAGTTGACCACTCGTTCAAGG[C>A]CCACCAGGATCAAGGCACGGACTCCTGCAAAGAAAGACACATTTAATACAGCTCACCTAG-3'
Protein context (NP_004360.2, residues 1971-1991): QEGVRALILV[Gly1981Val]LERVVNLERL